The following is an entry in ClinVar:

NM_000059.4(BRCA2):c.9599C>G (p.Ser3200Ter)

Gene: BRCA2 (BRCA2 DNA repair associated; plus strand). Cytogenetic location: 13q13.1.
Variant type: single nucleotide variant.
Coding change: c.9599C>G on transcript NM_000059.4 (MANE Select); coding-DNA position 9599, C replaced by G.
Protein change: p.Ser3200Ter; replaces serine 3200 with a stop codon.
Molecular consequence: nonsense.
Genome position (GRCh38, 1-based): chr13:32,396,995, C>G. VCF-style: chr13-32396995-C-G. GRCh37 (hg19) VCF-style: chr13-32971132-C-G.
Other names: 9827C>G; short protein forms S3200*.
Identifiers: ClinVar variation 38253 (VCV000038253.26), dbSNP rs80359230, ClinGen allele CA026227.
Genomic context (GRCh38, chr13:32,396,995, plus strand): 5'-TTATGCATATACTGCATGCAAATGATCCCAAGTGGTCCACCCCAACTAAAGACTGTACTT[C>G]AGGGCCGTACACTGCTCAAATCATTCCTGGTACAGGAAACAAGCTTCTGGTAAGTTAATG-3'

ClinVar aggregate classification (germline): Pathogenic. Review status: reviewed by expert panel (3 of 4 stars). 14 submissions from 13 submitters: Pathogenic (1). 13 of the submissions do not count toward it. Last evaluated 2016-09-08.

Conditions:
Inherited ovarian cancer (without breast cancer).
Inherited breast cancer and ovarian cancer.
Pancreatic cancer, susceptibility to, 2. Identifiers: Orphanet 1333, MedGen C3150546, MONDO:0013235, OMIM 613347.
Glioma susceptibility 3 (GLM3). Also called: Glioblastoma 3. Identifiers: Orphanet 182067, Orphanet 360, MedGen C2751641, MONDO:0013093, OMIM 613029.
Familial prostate cancer. Also called: Hereditary Prostate Cancer. Identifiers: MedGen C2931456, MONDO:0700275, OMIM 176807.
Breast-ovarian cancer, familial, susceptibility to, 2 (BROVCA2). Also called: BRCA2 Hereditary Breast and Ovarian Cancer. Identifiers: Orphanet 145, MedGen C2675520, MONDO:0012933, OMIM 612555. Disease mechanism: loss of function.
Fanconi anemia complementation group D1. Also called: BRCA2-Related Fanconi Anemia. Identifiers: Orphanet 319462, MedGen C1838457, MONDO:0011584, OMIM 605724.
Medulloblastoma (MDB). Also called: Medulloblastoma, somatic; MEDULLOBLASTOMA PREDISPOSITION SYNDROME. Identifiers: Orphanet 616, MedGen C0025149, MeSH D008527, MONDO:0007959, OMIM 155255, HP:0002885.
Wilms tumor 1 (WT1). Also called: Wilms tumor, somatic. Identifiers: Orphanet 654, MedGen CN033288, MONDO:0008679, OMIM 194070.
Familial cancer of breast. Also called: BREAST CANCER, FAMILIAL; hereditary breast carcinoma; Hereditary breast cancer. Identifiers: Orphanet 227535, MedGen C0346153, MONDO:0016419, OMIM 114480. Disease mechanism: loss of function.
Hereditary cancer-predisposing syndrome. Also called: Neoplastic Syndromes, Hereditary; Tumor predisposition; Hereditary Cancer Syndrome; Hereditary neoplastic syndrome. Identifiers: Orphanet 140162, MedGen C0027672, MeSH D009386, MONDO:0015356.
Hereditary breast ovarian cancer syndrome. Also called: Breast and ovarian cancer; Hereditary breast and ovarian cancer; Hereditary breast and ovarian cancer syndrome (HBOC); Hereditary breast and ovarian cancer syndrome; BRCA1- and BRCA2-Associated Hereditary Breast and Ovarian Cancer; Hereditary breast and/or ovarian cancer syndrome. Identifiers: Orphanet 145, MedGen C0677776, MeSH D061325, MONDO:0003582. Disease mechanism: loss of function.

Allele frequency attached by ClinVar (database versions not stated): gnomAD exomes below 0.00001.
gnomAD v4.1: 2 of 1,614,078 alleles (0.00012%); highest among the groups gnomAD compares: Non-Finnish European, 0.00017%; no homozygotes.

Submissions (14):

Evidence-based Network for the Interpretation of Germline Mutant Alleles (ENIGMA)
Classification: Pathogenic for Breast-ovarian cancer, familial, susceptibility to, 2. Last evaluated: 2016-09-08. Review status: reviewed by expert panel. Criteria: ENIGMA BRCA1/2 Classification Criteria (2015). Collection method: curation. Allele origin: germline.
Comment: Variant allele predicted to encode a truncated non-functional protein.

Women's Health and Genetics/Laboratory Corporation of America, LabCorp
Classification: Pathogenic for Hereditary breast ovarian cancer syndrome. Last evaluated: 2025-02-17. Review status: criteria provided, single submitter. Criteria: LabCorp Variant Classification Summary - May 2015. Collection method: clinical testing. Allele origin: germline. Not counted in ClinVar's aggregate classification.
Comment: Variant summary: BRCA2 c.9599C>G (p.Ser3200X) results in a premature termination codon, predicted to cause a truncation of the encoded protein or absence of the protein due to nonsense mediated decay, which are commonly known mechanisms for disease. The variant was absent in 251406 control chromosomes (gnomAD). c.9599C>G has been reported in the literature in individuals affected with Hereditary Breast And Ovarian Cancer Syndrome (e.g. Zhang_2011, Yang_2024). The following publications have been ascertained in the context of this evaluation (PMID: 21324516, 37517399). ClinVar contains an entry for this variant (Variation ID: 38253). Based on the evidence outlined above, the variant was classified as pathogenic.

Labcorp Genetics (formerly Invitae), Labcorp
Classification: Pathogenic for Hereditary breast ovarian cancer syndrome. Last evaluated: 2024-12-12. Review status: criteria provided, single submitter. Criteria: Invitae Variant Classification Sherloc (09022015). Collection method: clinical testing. Allele origin: germline. Not counted in ClinVar's aggregate classification.
Comment: This sequence change creates a premature translational stop signal (p.Ser3200*) in the BRCA2 gene. It is expected to result in an absent or disrupted protein product. Loss-of-function variants in BRCA2 are known to be pathogenic (PMID: 20104584). This variant is not present in population databases (gnomAD no frequency). This variant has not been reported in the literature in individuals affected with BRCA2-related conditions. This variant is also known as 9827C>G. ClinVar contains an entry for this variant (Variation ID: 38253). For these reasons, this variant has been classified as Pathogenic.

Ambry Genetics
Classification: Pathogenic for Hereditary cancer-predisposing syndrome. Last evaluated: 2024-12-03. Review status: criteria provided, single submitter. Criteria: Ambry Variant Classification Scheme 2023. Collection method: clinical testing. Allele origin: germline. Not counted in ClinVar's aggregate classification.
Comment: The p.S3200* pathogenic mutation (also known as c.9599C>G), located in coding exon 25 of the BRCA2 gene, results from a C to G substitution at nucleotide position 9599. This changes the amino acid from a serine to a stop codon within coding exon 25. This alteration occurs at the 3' terminus of theBRCA2 gene, is not expected to trigger nonsense-mediated mRNA decay, and only impacts the last 6% of the protein. However, premature stop codons are typically deleterious in nature and the impacted region is critical for protein function (Ambry internal data). This alteration, designated as 9827C>G, was identified in at least one individual diagnosed with ovarian cancer (Zhang S et al. Gynecol. Oncol. 2011 May;121:353-7; Risch HA et al. J. Natl. Cancer Inst. 2006 Dec;98:1694-706). This variant is considered to be rare based on population cohorts in the Genome Aggregation Database (gnomAD). Based on the supporting evidence, this variant is interpreted as a disease-causing mutation.

Genomics and Molecular Medicine Service, East Genomic Laboratory Hub, NHS Genomic Medicine Service
Classification: Pathogenic for Inherited ovarian cancer (without breast cancer). Last evaluated: 2024-10-21. Review status: criteria provided, single submitter. Criteria: ACGS Best Practice Guidelines for Variant Classification in Rare Disease 2020. Collection method: clinical testing. Allele origin: germline. Affected: yes. Not counted in ClinVar's aggregate classification.
Comment: PVS1,PM2_Supporting,PM5_Supporting

Genomics and Molecular Medicine Service, East Genomic Laboratory Hub, NHS Genomic Medicine Service
Classification: Pathogenic for Inherited breast cancer and ovarian cancer. Last evaluated: 2024-10-17. Review status: criteria provided, single submitter. Criteria: ACGS Best Practice Guidelines for Variant Classification in Rare Disease 2020. Collection method: clinical testing. Allele origin: germline. Affected: yes. Not counted in ClinVar's aggregate classification.
Comment: the same text as in the submission from Genomics and Molecular Medicine Service, East Genomic Laboratory Hub, NHS Genomic Medicine Service above.

GeneDx
Classification: Pathogenic. Last evaluated: 2023-07-03. Review status: criteria provided, single submitter. Criteria: GeneDx Variant Classification Process June 2021. Collection method: clinical testing. Allele origin: germline. Affected: yes. Not counted in ClinVar's aggregate classification.
Comment: Nonsense variant predicted to result in protein truncation in a gene for which loss of function is a known mechanism of disease; Observed in individuals with a personal or family history consistent with pathogenic variants in this gene (Risch et al., 2006; Zhang et al., 2011); Not observed at significant frequency in large population cohorts (gnomAD); Truncating variants in this gene are considered pathogenic by a well-established clinical consortium and/or database; Also known as 9827C>G; This variant is associated with the following publications: (PMID: 21324516, 25525159, 17148771, 20104584)

Baylor Genetics
Classification: Pathogenic for Familial cancer of breast. Last evaluated: 2022-12-27. Review status: criteria provided, single submitter. Criteria: ACMG Guidelines, 2015. Collection method: clinical testing. Allele origin: unknown. Not counted in ClinVar's aggregate classification.

Color Diagnostics, LLC DBA Color Health
Classification: Pathogenic for Hereditary cancer-predisposing syndrome. Last evaluated: 2022-04-18. Review status: criteria provided, single submitter. Criteria: ACMG Guidelines, 2015. Collection method: clinical testing. Allele origin: germline. Not counted in ClinVar's aggregate classification.
Comment: This variant changes 1 nucleotide in exon 26 of the BRCA2 gene, creating a premature translation stop signal. This variant is expected to result in an absent or non-functional protein product. This variant has been reported in 1 individual affected with ovarian cancer (PMID: 17148771, 21324516). This variant has not been identified in the general population by the Genome Aggregation Database (gnomAD). Loss of BRCA2 function is a known mechanism of disease. Based on the available evidence, this variant is classified as Pathogenic.

Quest Diagnostics Nichols Institute San Juan Capistrano
Classification: Pathogenic. Last evaluated: 2021-01-15. Review status: criteria provided, single submitter. Criteria: Quest Diagnostics criteria. Collection method: clinical testing. Allele origin: unknown. Not counted in ClinVar's aggregate classification.
Comment: This nonsense variant causes the premature termination of BRCA2 protein synthesis. It has been reported in at least one individual affected with ovarian cancer in the published literature (PMIDS: 17148771 (2006) and 21324516 (2011)). This variant has not been reported in large, multi-ethnic general populations. Therefore, the variant is classified as pathogenic.

Juno Genomics, Hangzhou Juno Genomics, Inc
Classification: Likely pathogenic for Familial cancer of breast; Breast-ovarian cancer, familial, susceptibility to, 2; Glioma susceptibility 3; Medulloblastoma; Pancreatic cancer, susceptibility to, 2; Familial prostate cancer; Fanconi anemia complementation group D1; Wilms tumor 1. Review status: criteria provided, single submitter. Criteria: ACMG Guidelines, 2015. Collection method: clinical testing. Allele origin: germline. Not counted in ClinVar's aggregate classification.
Comment: Absent from controls (or at extremely low frequency if recessive) in Genome Aggregation Database.;Null variant in a gene where loss of function (LOF) is a known mechanism of disease.

Research Molecular Genetics Laboratory, Women's College Hospital, University of Toronto
Classification: Pathogenic for Hereditary breast ovarian cancer syndrome. Last evaluated: 2014-01-31. Review status: no assertion criteria provided. Collection method: research. Allele origin: germline. Affected: yes. Study: The Canadian Open Genetics Repository (COGR). Not counted in ClinVar's aggregate classification.

Sharing Clinical Reports Project (SCRP)
Classification: Pathogenic for Breast-ovarian cancer, familial 2. Last evaluated: 2009-09-22. Review status: no assertion criteria provided. Collection method: clinical testing. Allele origin: germline. Not counted in ClinVar's aggregate classification.

Breast Cancer Information Core (BIC) (BRCA2)
Classification: Pathogenic for Breast-ovarian cancer, familial 2. Review status: no assertion criteria provided. Collection method: clinical testing. Allele origin: germline. Affected: yes. Observed: 1 variant allele. Not counted in ClinVar's aggregate classification.

Literature cited by the submitters: PubMed 21324516 (cited by 4 submitters); PubMed 37517399 (cited by Women's Health and Genetics/Laboratory Corporation of America, LabCorp); PubMed 20104584 (cited by Labcorp Genetics (formerly Invitae), Labcorp); PubMed 17148771 (cited by 3 submitters).